The following is an entry in ClinVar:

ClinVar aggregate classification (germline): Uncertain significance (1 of 4 stars; one submission).

Allele frequency attached by ClinVar (database versions not stated): TOPMed below 0.00001; gnomAD exomes 0.00001.
gnomAD v4.1: 6 of 1,614,180 alleles (0.00037%); highest among the groups gnomAD compares: Middle Eastern, 0.049%; no homozygotes.

Submission:

Labcorp Genetics (formerly Invitae), Labcorp
Classification: Uncertain significance. Last evaluated: 2025-02-15. Review status: criteria provided, single submitter. Criteria: Invitae Variant Classification Sherloc (09022015). Collection method: clinical testing. Allele origin: germline.
Comment: This sequence change replaces alanine, which is neutral and non-polar, with glycine, which is neutral and non-polar, at codon 307 of the GSN protein (p.Ala307Gly). This variant is not present in population databases (gnomAD no frequency). This variant has not been reported in the literature in individuals affected with GSN-related conditions. ClinVar contains an entry for this variant (Variation ID: 1422563). An algorithm developed to predict the effect of missense changes on protein structure and function (PolyPhen-2) suggests that this variant is likely to be tolerated. In summary, the available evidence is currently insufficient to determine the role of this variant in disease. Therefore, it has been classified as a Variant of Uncertain Significance.

NM_198252.3(GSN):c.767C>G (p.Ala256Gly)

Gene: GSN (gelsolin; plus strand). Cytogenetic location: 9q33.2.
Variant type: single nucleotide variant.
Coding change: c.767C>G on transcript NM_198252.3 (MANE Select); coding-DNA position 767, C replaced by G.
Protein change: p.Ala256Gly; replaces alanine 256 with glycine.
Molecular consequence: missense variant.
Genome position (GRCh38, 1-based): chr9:121,317,099, C>G. VCF-style: chr9-121317099-C-G. GRCh37 (hg19) VCF-style: chr9-124079377-C-G.
Other names: c.920C>G, p.Ala307Gly (NM_000177.5); c.767C>G, p.Ala256Gly (NM_001127662.2, NM_001127664.2, NM_001127665.2 and 10 more transcripts); c.875C>G, p.Ala292Gly (NM_001127663.2); c.800C>G, p.Ala267Gly (NM_001127666.2, NM_001127667.2, NM_001353063.2 and 13 more transcripts); c.818C>G, p.Ala273Gly (NM_001258029.2); c.791C>G, p.Ala264Gly (NM_001258030.2); c.839C>G, p.Ala280Gly (NM_001353076.2); c.113C>G, p.Ala38Gly (NM_001353078.2); short protein forms A264G, A267G, A280G, A38G, A273G, A292G, A307G, A256G.
Identifiers: ClinVar variation 1422563 (VCV001422563.8), dbSNP rs867786838, ClinGen allele CA199409915.
Genomic context (GRCh38, chr9:121,317,099, plus strand): 5'-CGGCCACAGACACTCATGTGCTGGTTCCTTCTGCTTCGTCCCCTCAGGTCTCCAATGGTG[C>G]AGGGACCATGTCCGTCTCCCTCGTGGCTGATGAGAACCCCTTCGCCCAGGGGGCCCTGAA-3'
Protein context (NP_937895.1, residues 246-266): LAKLYKVSNG[Ala256Gly]GTMSVSLVAD